The following is an entry in ClinVar:

ClinVar aggregate classification (germline): Uncertain significance. Review status: criteria provided, multiple submitters, no conflicts (2 of 4 stars). 2 submissions from 2 submitters: Uncertain significance (2). Last evaluated 2024-03-27.

Conditions:
Inborn genetic diseases. Identifiers: MedGen C0950123, MeSH D030342.
Hyperphosphatasia with impaired intellectual development syndrome 2. Also called: Hyperphosphatasia with intellectual disability syndrome 2; GLYCOSYLPHOSPHATIDYLINOSITOL BIOSYNTHESIS DEFECT 6. Identifiers: Orphanet 247262, MedGen C3553637, MONDO:0013882, OMIM 614749.

Submissions (2):

Ambry Genetics
Classification: Uncertain significance for Inborn genetic diseases. Last evaluated: 2024-03-27. Review status: criteria provided, single submitter. Criteria: Ambry Variant Classification Scheme 2023. Collection method: clinical testing. Allele origin: germline.
Comment: The c.1660_1662delCTG (p.L554del) alteration is located in exon 7 (coding exon 6) of the PIGO gene. This alteration consists of an in-frame deletion of 3 nucleotides between nucleotide positions c.1660 and c.1662, resulting in the deletion of 1 residue. Based on insufficient or conflicting evidence, the clinical significance of this alteration remains unclear.

Labcorp Genetics (formerly Invitae), Labcorp
Classification: Uncertain significance for Hyperphosphatasia with impaired intellectual development syndrome 2. Last evaluated: 2022-07-03. Review status: criteria provided, single submitter. Criteria: Invitae Variant Classification Sherloc (09022015). Collection method: clinical testing. Allele origin: germline.
Comment: In summary, the available evidence is currently insufficient to determine the role of this variant in disease. Therefore, it has been classified as a Variant of Uncertain Significance. Experimental studies and prediction algorithms are not available or were not evaluated, and the functional significance of this variant is currently unknown. This variant has not been reported in the literature in individuals affected with PIGO-related conditions. This variant is present in population databases (no rsID available, gnomAD 0.01%). This variant, c.1660_1662del, results in the deletion of 1 amino acid(s) of the PIGO protein (p.Leu554del), but otherwise preserves the integrity of the reading frame.

NM_032634.4(PIGO):c.1657CTG[1] (p.Leu554del)

Gene: PIGO (phosphatidylinositol glycan anchor biosynthesis class O; minus strand). Cytogenetic location: 9p13.3.
Variant type: Microsatellite.
Coding change: c.1657CTG[1] on transcript NM_032634.4 (MANE Select); one copy of the 3-base unit CTG starting at c.1657; the reference has two copies in a row; one copy, 3 bases deleted.
Protein change: p.Leu554del; deletes leucine 554.
Molecular consequence: inframe deletion. On other transcripts: intron variant (2).
Genome position (GRCh38, 1-based): chr9:35,092,225-35,092,227, CAG deleted on the plus strand (CTG on the coding strand, the reverse complement: PIGO is on the minus strand); deleting any 3 consecutive bases within chr9:35,092,225-35,092,230 gives the same sequence; the position shown is the placement nearest the transcript's 3' end. VCF-style (leftmost placement, unchanged base first): chr9-35092224-ACAG-A. GRCh37 (hg19) VCF-style: chr9-35092221-ACAG-A.
Other names: c.1660_1662delCTG (NM_032634.3); c.1344+316_1344+318del (NM_152850.4, NM_001201484.2); short protein forms L554del.
Identifiers: ClinVar variation 2170056 (VCV002170056.5), dbSNP rs1166635670, ClinGen allele CA587568902.